The following is an entry in ClinVar:

NM_001369.3(DNAH5):c.10595G>A (p.Gly3532Asp)

Gene: DNAH5 (dynein axonemal heavy chain 5; minus strand). Cytogenetic location: 5p15.2.
Variant type: single nucleotide variant.
Coding change: c.10595G>A on transcript NM_001369.3 (MANE Select); coding-DNA position 10595, G replaced by A.
Protein change: p.Gly3532Asp; replaces glycine 3532 with aspartic acid.
Molecular consequence: missense variant.
Genome position (GRCh38, 1-based): chr5:13,753,510, C>T on the plus strand (G>A on the coding strand, the complement: DNAH5 is on the minus strand). VCF-style: chr5-13753510-C-T. GRCh37 (hg19) VCF-style: chr5-13753619-C-T.
Other names: short protein forms G3532D.
Identifiers: ClinVar variation 3503503 (VCV003503503.1).

ClinVar aggregate classification (germline): Uncertain significance (1 of 4 stars; one submission).

Conditions:
Primary ciliary dyskinesia. Also called: Ciliary dyskinesia. Identifiers: Orphanet 244, MedGen C0008780, MONDO:0016575, HP:0012265.

gnomAD v4.1: 1 of 1,613,794 alleles (0.000062%); highest among the groups gnomAD compares: South Asian, 0.0011%; no homozygotes.

Submission:

Ambry Genetics
Classification: Uncertain significance for Primary ciliary dyskinesia. Last evaluated: 2024-09-14. Review status: criteria provided, single submitter. Criteria: Ambry Variant Classification Scheme 2023. Collection method: clinical testing. Allele origin: germline.
Comment: The p.G3532D variant (also known as c.10595G>A), located in coding exon 63 of the DNAH5 gene, results from a G to A substitution at nucleotide position 10595. The glycine at codon 3532 is replaced by aspartic acid, an amino acid with similar properties. This amino acid position is conserved. In addition, this alteration is predicted to be deleterious by in silico analysis. Based on the available evidence, the clinical significance of this variant remains unclear.